The following is an entry in ClinVar:

ClinVar aggregate classification (germline): Uncertain significance (1 of 4 stars; one submission).

Conditions:
Familial hypocalciuric hypercalcemia (FHH). Also called: Familial benign hypercalcemia. Identifiers: Orphanet 405, MedGen C1809471, MONDO:0018458.
Autosomal dominant hypocalcemia 1 (HYPOC1). Also called: HYPOCALCEMIA, FAMILIAL. Identifiers: MedGen C3715128, MONDO:0011013, OMIM 601198.

Allele frequency attached by ClinVar (database versions not stated): gnomAD exomes below 0.00001.
gnomAD v4.1: 1 of 1,613,792 alleles (0.000062%); highest among the groups gnomAD compares: Non-Finnish European, 0.000085%; no homozygotes.

Submission:

Labcorp Genetics (formerly Invitae), Labcorp
Classification: Uncertain significance for Familial hypocalciuric hypercalcemia; Autosomal dominant hypocalcemia 1. Last evaluated: 2020-08-26. Review status: criteria provided, single submitter. Criteria: Invitae Variant Classification Sherloc (09022015). Collection method: clinical testing. Allele origin: germline.
Comment: This sequence change replaces threonine with asparagine at codon 14 of the CASR protein (p.Thr14Asn). The threonine residue is moderately conserved and there is a small physicochemical difference between threonine and asparagine. This variant is not present in population databases (ExAC no frequency). This variant has not been reported in the literature in individuals with CASR-related conditions. Algorithms developed to predict the effect of missense changes on protein structure and function (SIFT, PolyPhen-2, Align-GVGD) all suggest that this variant is likely to be tolerated, but these predictions have not been confirmed by published functional studies and their clinical significance is uncertain. In summary, the available evidence is currently insufficient to determine the role of this variant in disease. Therefore, it has been classified as a Variant of Uncertain Significance.

NM_000388.4(CASR):c.41C>A (p.Thr14Asn)

Gene: CASR (calcium sensing receptor; plus strand). Cytogenetic location: 3q21.1.
Variant type: single nucleotide variant.
Coding change: c.41C>A on transcript NM_000388.4 (MANE Select); coding-DNA position 41, C replaced by A.
Protein change: p.Thr14Asn; replaces threonine 14 with asparagine.
Molecular consequence: missense variant.
Genome position (GRCh38, 1-based): chr3:122,254,230, C>A. VCF-style: chr3-122254230-C-A. GRCh37 (hg19) VCF-style: chr3-121973077-C-A.
Other names: c.41C>A, p.Thr14Asn (NM_001178065.2); short protein forms T14N.
Identifiers: ClinVar variation 1036123 (VCV001036123.9), dbSNP rs1235999733, ClinGen allele CA354362004.